The following is an entry in ClinVar:

ClinVar aggregate classification (germline): Uncertain significance. Review status: criteria provided, multiple submitters, no conflicts (2 of 4 stars). 2 submissions from 2 submitters: Uncertain significance (2). Last evaluated 2025-04-02.

Conditions:
Inborn genetic diseases. Identifiers: MedGen C0950123, MeSH D030342.

Submissions (2):

Ambry Genetics
Classification: Uncertain significance for Inborn genetic diseases. Last evaluated: 2025-04-02. Review status: criteria provided, single submitter. Criteria: Ambry Variant Classification Scheme 2023. Collection method: clinical testing. Allele origin: germline.
Comment: The c.342_383del42 (p.S120_R133del) alteration is located in exon 4 (coding exon 4) of the PQBP1 gene. This alteration consists of an in-frame deletion of 42 nucleotides between nucleotide positions c.342 and c.383, resulting in the deletion of 14 residues. Based on insufficient or conflicting evidence, the clinical significance of this alteration remains unclear.

GeneDx
Classification: Uncertain significance. Last evaluated: 2023-11-06. Review status: criteria provided, single submitter. Criteria: GeneDx Variant Classification Process June 2021. Collection method: clinical testing. Allele origin: germline.
Comment: Not observed at significant frequency in large population cohorts (gnomAD); In-frame deletion of 14 amino acids in a non-repeat region; In silico analysis supports a deleterious effect on protein structure/function; Has not been previously published as pathogenic or benign to our knowledge

NM_001032382.2(PQBP1):c.342_383del (p.Ser120_Arg133del)

Gene: PQBP1 (polyglutamine binding protein 1; plus strand). Cytogenetic location: Xp11.23.
Variant type: Deletion.
Coding change: c.342_383del on transcript NM_001032382.2 (MANE Select); coding-DNA positions 342 to 383, 42 bases deleted.
Protein change: p.Ser120_Arg133del.
Molecular consequence: inframe deletion. On other transcripts: intron variant (2).
Genome position (GRCh38, 1-based): chrX:48,902,282-48,902,323, 42 bases deleted; deleting any 42 consecutive bases within chrX:48,902,271-48,902,323 gives the same sequence; the c. name uses the placement nearest the transcript's 3' end. GRCh37 (hg19): chrX:48,759,559-48,759,600.
Other names: c.342_383del42 (NM_005710.2); c.342_383del, p.Ser120_Arg133del (NM_001032381.2, NM_001032383.2, NM_001032384.1 and 2 more transcripts); c.318_359del, p.Ser112_Arg125del (NM_001167990.2); c.292+240_292+281del (NM_144495.3); c.202-160_202-119del (NM_001167992.1).
Identifiers: ClinVar variation 1801089 (VCV001801089.3), dbSNP rs782771445, ClinGen allele CA10405904.
Genomic context (GRCh38, chrX:48,902,270, plus strand): 5'-CACTTCAAGACTTGTGTCCCCAGATGCTGAAGAAAAGTTGGACCGGAGCCATGACAAGTC[GGACAGGGGCCATGACAAGTCGGACCGCAGCCATGAGAAACTA>G]GACAGGGGCCACGACAAGTCAGACCGGGGCCACGACAAGTCTGACAGGGATCGAGAGCGT-3'